The following is an entry in ClinVar:

ClinVar aggregate classification (germline): Uncertain significance (1 of 4 stars; one submission).

Conditions:
Hereditary cancer-predisposing syndrome. Also called: Hereditary neoplastic syndrome; Hereditary Cancer Syndrome; Neoplastic Syndromes, Hereditary; Tumor predisposition. Identifiers: Orphanet 140162, MedGen C0027672, MeSH D009386, MONDO:0015356.

Submission:

Ambry Genetics
Classification: Uncertain significance for Hereditary cancer-predisposing syndrome. Last evaluated: 2026-08-21. Review status: criteria provided, single submitter. Criteria: Ambry Variant Classification Scheme 2023. Collection method: clinical testing. Allele origin: germline.
Comment: The p.E1190V variant (also known as c.3569A>T), located in coding exon 16 of the MET gene, results from an A to T substitution at nucleotide position 3569. The glutamic acid at codon 1190 is replaced by valine, an amino acid with dissimilar properties. This amino acid position is highly conserved in available vertebrate species. In addition, this alteration is predicted to be deleterious by in silico analysis. Based on the available evidence, the clinical significance of this variant remains unclear.

NM_000245.4(MET):c.3515A>T (p.Glu1172Val)

Gene: MET (MET proto-oncogene, receptor tyrosine kinase; plus strand). Cytogenetic location: 7q31.2.
Variant type: single nucleotide variant.
Coding change: c.3515A>T on transcript NM_000245.4 (MANE Select); coding-DNA position 3515, A replaced by T.
Protein change: p.Glu1172Val; replaces glutamic acid 1172 with valine.
Molecular consequence: missense variant.
Genome position (GRCh38, 1-based): chr7:116,778,950, A>T. VCF-style: chr7-116778950-A-T. GRCh37 (hg19) VCF-style: chr7-116419004-A-T.
Other names: c.3569A>T, p.Glu1190Val (NM_001127500.3); c.2225A>T, p.Glu742Val (NM_001324402.2); short protein forms E1172V, E1190V, E742V.
Identifiers: ClinVar variation 2612549 (VCV002612549.3), dbSNP rs2117048357, ClinGen allele CA368990370.